The following is an entry in ClinVar:

NM_006231.4(POLE):c.2933A>G (p.Glu978Gly)

Gene: POLE (DNA polymerase epsilon, catalytic subunit; minus strand). Cytogenetic location: 12q24.33.
Variant type: single nucleotide variant.
Coding change: c.2933A>G on transcript NM_006231.4 (MANE Select); coding-DNA position 2933, A replaced by G.
Protein change: p.Glu978Gly; replaces glutamic acid 978 with glycine.
Molecular consequence: missense variant.
Genome position (GRCh38, 1-based): chr12:132,661,096, T>C on the plus strand (A>G on the coding strand, the complement: POLE is on the minus strand). VCF-style: chr12-132661096-T-C. GRCh37 (hg19) VCF-style: chr12-133237682-T-C.
Other names: short protein forms E978G.
Identifiers: ClinVar variation 4530394 (VCV004530394.1).

ClinVar aggregate classification (somatic clinical impact): Tier I - Strong (1 of 4 stars; one submission).

Conditions:
Diffuse pediatric-type high-grade glioma, H3-wildtype and IDH-wildtype. Identifiers: MedGen C5669918, MONDO:0858939.

Submission:

Institute for Genomic Medicine (IGM) Clinical Laboratory, Nationwide Children's Hospital
Classification: Tier I - Strong for Diffuse pediatric-type high-grade glioma, H3-wildtype and IDH-wildtype. Assertion type: diagnostic. Clinical significance: supports diagnosis. Last evaluated: 2024-10-01. Review status: criteria provided, single submitter. Criteria: AMP/ASCO/CAP Guidelines, 2017. Collection method: clinical testing. Allele origin: somatic. Affected: yes.
Comment: Variant has Tier I (strong) clinical significance as a diagnostic inclusion criterion in diffuse pediatric-type high-grade glioma, H3-wildtype and IDH-wildtype, based on the following evidence: 1) Documented in one or more cancer databases (e.g., St. Jude Pecan, COSMIC, CIViC, OncoKB). 2) Appears in one or more well-established professional guidelines (e.g., World Health Organization [WHO]; National Comprehensive Cancer Network [NCCN]) as providing diagnostic, prognostic, or therapeutic information. 3) Information in the literature supports potential biologic effect of variant (PMIDs: 38219146, 29056344). 4) Diagnostic for a specific tumor type/classification based on well-powered studies with expert-level consensus (Evidence Level B; PMIDs: 28912153, 25642631, 29056344, 33355208).

Literature cited by the submitters: PubMed 38219146; PubMed 29056344; PubMed 28912153; PubMed 25642631; PubMed 33355208.